The following is an entry in ClinVar:

NM_014845.6(FIG4):c.2113A>G (p.Thr705Ala)

Gene: FIG4 (FIG4 phosphoinositide 5-phosphatase; plus strand). Cytogenetic location: 6q21.
Variant type: single nucleotide variant.
Coding change: c.2113A>G on transcript NM_014845.6 (MANE Select); coding-DNA position 2113, A replaced by G.
Protein change: p.Thr705Ala; replaces threonine 705 with alanine.
Molecular consequence: missense variant.
Genome position (GRCh38, 1-based): chr6:109,789,610, A>G. VCF-style: chr6-109789610-A-G. GRCh37 (hg19) VCF-style: chr6-110110813-A-G.
Other names: short protein forms T705A.
Identifiers: ClinVar variation 287039 (VCV000287039.13), dbSNP rs766031746, ClinGen allele CA3956290.

ClinVar aggregate classification (germline): Uncertain significance. Review status: criteria provided, multiple submitters, no conflicts (2 of 4 stars). 4 submissions from 4 submitters: Uncertain significance (3). 1 of the submissions does not count toward it. Last evaluated 2022-08-22.

Conditions:
Inborn genetic diseases. Identifiers: MedGen C0950123, MeSH D030342.
FIG4-related disorder. Also called: FIG4-related condition; FIG4-related disorders.
Charcot-Marie-Tooth disease type 4. Also called: Charcot-Marie-Tooth, Type 4; Charcot-Marie-Tooth disease, type IV. Identifiers: Orphanet 64749, MedGen C4082197, MONDO:0018995.

Allele frequency attached by ClinVar (database versions not stated): ExAC 0.00002; gnomAD 0.00002; gnomAD exomes 0.00002 and 0.00007; TOPMed 0.00002.
gnomAD v4.1: 95 of 1,613,120 alleles (0.0059%); highest among the groups gnomAD compares: Non-Finnish European, 0.008%; no homozygotes.

Submissions (4):

Labcorp Genetics (formerly Invitae), Labcorp
Classification: Uncertain significance for Charcot-Marie-Tooth disease type 4. Last evaluated: 2022-08-22. Review status: criteria provided, single submitter. Criteria: Invitae Variant Classification Sherloc (09022015). Collection method: clinical testing. Allele origin: germline.
Comment: This sequence change replaces threonine, which is neutral and polar, with alanine, which is neutral and non-polar, at codon 705 of the FIG4 protein (p.Thr705Ala). This variant is present in population databases (rs766031746, gnomAD 0.006%). This variant has not been reported in the literature in individuals affected with FIG4-related conditions. ClinVar contains an entry for this variant (Variation ID: 287039). Algorithms developed to predict the effect of missense changes on protein structure and function (SIFT, PolyPhen-2, Align-GVGD) all suggest that this variant is likely to be tolerated. In summary, the available evidence is currently insufficient to determine the role of this variant in disease. Therefore, it has been classified as a Variant of Uncertain Significance.

Ambry Genetics
Classification: Uncertain significance for Inborn genetic diseases. Last evaluated: 2021-02-27. Review status: criteria provided, single submitter. Criteria: Ambry Variant Classification Scheme 2023. Collection method: clinical testing. Allele origin: germline.
Comment: The p.T705A variant (also known as c.2113A>G), located in coding exon 19 of the FIG4 gene, results from an A to G substitution at nucleotide position 2113. The threonine at codon 705 is replaced by alanine, an amino acid with similar properties. This amino acid position is not well conserved in available vertebrate species. In addition, this alteration is predicted to be tolerated by in silico analysis. Since supporting evidence is limited at this time, the clinical significance of this alteration remains unclear.

Eurofins Ntd Llc (ga)
Classification: Uncertain significance. Last evaluated: 2016-04-18. Review status: criteria provided, single submitter. Criteria: EGL Classification Definitions 2015. Collection method: clinical testing. Allele origin: germline. Observed: 1 variant allele, 1 heterozygote.

PreventionGenetics, part of Exact Sciences
Classification: Uncertain significance for FIG4-related condition. Last evaluated: 2024-09-11. Review status: no assertion criteria provided. Collection method: clinical testing. Allele origin: germline. Not counted in ClinVar's aggregate classification.
Comment: The FIG4 c.2113A>G variant is predicted to result in the amino acid substitution p.Thr705Ala. To our knowledge, this variant has not been reported in the literature. This variant is reported in 0.0054% of alleles in individuals of East Asian descent in gnomAD. At this time, the clinical significance of this variant is uncertain due to the absence of conclusive functional and genetic evidence.